The following is an entry in ClinVar:

NM_002296.4(LBR):c.262G>A (p.Gly88Ser)

Gene: LBR (lamin B receptor; minus strand). Cytogenetic location: 1q42.12.
Variant type: single nucleotide variant.
Coding change: c.262G>A on transcript NM_002296.4 (MANE Select); coding-DNA position 262, G replaced by A.
Protein change: p.Gly88Ser; replaces glycine 88 with serine.
Molecular consequence: missense variant.
Genome position (GRCh38, 1-based): chr1:225,422,181, C>T on the plus strand (G>A on the coding strand, the complement: LBR is on the minus strand). VCF-style: chr1-225422181-C-T. GRCh37 (hg19) VCF-style: chr1-225609883-C-T.
Other names: c.262G>A (NM_002296.3); c.262G>A, p.Gly88Ser (NM_194442.3); short protein forms G88S.
Identifiers: ClinVar variation 1330815 (VCV001330815.9), dbSNP rs754965227, ClinGen allele CA1417522.

ClinVar aggregate classification (germline): Uncertain significance. Review status: criteria provided, multiple submitters, no conflicts (2 of 4 stars). 2 submissions from 2 submitters: Uncertain significance (2). Last evaluated 2025-06-13.

Conditions:
Inborn genetic diseases. Identifiers: MedGen C0950123, MeSH D030342.

Allele frequency attached by ClinVar (database versions not stated): gnomAD exomes 0.00002; gnomAD 0.00003; ExAC 0.00002.
gnomAD v4.1: 23 of 1,613,206 alleles (0.0014%); highest among the groups gnomAD compares: Non-Finnish European, 0.0018%; no homozygotes.

Submissions (2):

ARUP Laboratories, Molecular Genetics and Genomics, ARUP Laboratories
Classification: Uncertain significance. Last evaluated: 2025-06-13. Review status: criteria provided, single submitter. Criteria: ARUP Molecular Germline Variant Investigation Process 2024. Collection method: clinical testing. Allele origin: germline.
Comment: The LBR c.262G>A; p.Gly88Ser variant (rs754965227), to our knowledge, is not reported in the medical literature but is reported in ClinVar (Variation ID: 1330815). This variant is found on in the general population with an overall allele frequency of 0.002% (6/282800 alleles) in the Genome Aggregation Database (v2.1.1). Computational analyses are uncertain whether this variant is neutral or deleterious (REVEL: 0.448). Due to limited information, the clinical significance of the p.Gly88Ser variant is uncertain at this time.

Ambry Genetics
Classification: Uncertain significance for Inborn genetic diseases. Last evaluated: 2024-07-05. Review status: criteria provided, single submitter. Criteria: Ambry Variant Classification Scheme 2023. Collection method: clinical testing. Allele origin: germline.